The following is an entry in ClinVar:

NM_004409.5(DMPK):c.888C>T (p.His296=)

Gene: DMPK (DM1 protein kinase; minus strand). Cytogenetic location: 19q13.32.
Variant type: single nucleotide variant.
Coding change: c.888C>T on transcript NM_004409.5 (MANE Select); coding-DNA position 888, C replaced by T.
Protein change: p.His296=; no amino-acid change (histidine 296 retained).
Molecular consequence: synonymous variant.
Genome position (GRCh38, 1-based): chr19:45,777,585, G>A on the plus strand (C>T on the coding strand, the complement: DMPK is on the minus strand). VCF-style: chr19-45777585-G-A. GRCh37 (hg19) VCF-style: chr19-46280843-G-A.
Other names: c.888C>T, p.His296= (NM_001081560.3, NM_001081562.3, NM_001288766.2 and 5 more transcripts); c.918C>T, p.His306= (NM_001081563.3); c.966C>T, p.His322= (NM_001288764.2, NM_001424163.1); c.621C>T, p.His207= (NM_001288765.2); c.447C>T, p.His149= (NM_001424166.1).
Identifiers: ClinVar variation 3050143 (VCV003050143.2), dbSNP rs147815859, ClinGen allele CA9521334.

ClinVar aggregate classification (germline): Likely benign (0 of 4 stars; one submission).

Conditions:
DMPK-related disorder. Also called: DMPK-related condition.

Allele frequency attached by ClinVar (database versions not stated): ExAC 0.00010; gnomAD 0.00010; TOPMed 0.00012; ESP Exome Variant Server 0.00015.
gnomAD v4.1: 128 of 1,613,236 alleles (0.0079%); highest among the groups gnomAD compares: Middle Eastern, 0.016%; no homozygotes.

Submission:

PreventionGenetics, part of Exact Sciences
Classification: Likely benign for DMPK-related condition. Last evaluated: 2019-07-10. Review status: no assertion criteria provided. Collection method: clinical testing. Allele origin: germline.
Comment: This variant is classified as likely benign based on ACMG/AMP sequence variant interpretation guidelines (Richards et al. 2015 PMID: 25741868, with internal and published modifications).